The following is an entry in ClinVar:

ClinVar aggregate classification (germline): Pathogenic (1 of 4 stars; one submission).

Conditions:
Cardiovascular phenotype. Identifiers: MedGen CN230736.

Submission:

Ambry Genetics
Classification: Pathogenic for Cardiovascular phenotype. Last evaluated: 2017-12-15. Review status: criteria provided, single submitter. Criteria: Ambry Variant Classification Scheme 2023. Collection method: clinical testing. Allele origin: germline.
Comment: The p.Q1046* pathogenic mutation (also known as c.3136C>T), located in coding exon 13 of the KCNH2 gene, results from a C to T substitution at nucleotide position 3136. This changes the amino acid from a glutamine to a stop codon within coding exon 13. This alteration has been reported in an individual with long QT syndrome (LQTS) (Kotta CM et al. J. Appl. Genet., 2010;51:515-8). In addition to the clinical data presented in the literature, this alteration is expected to result in loss of function by premature protein truncation or nonsense-mediated mRNA decay. As such, this alteration is interpreted as a disease-causing mutation.

Literature cited by the submitters: PubMed 21063070.

NM_000238.4(KCNH2):c.3136C>T (p.Gln1046Ter)

Gene: KCNH2 (potassium voltage-gated channel subfamily H member 2; minus strand). Cytogenetic location: 7q36.1.
Variant type: single nucleotide variant.
Coding change: c.3136C>T on transcript NM_000238.4 (MANE Select); coding-DNA position 3136, C replaced by T.
Protein change: p.Gln1046Ter; replaces glutamine 1046 with a stop codon.
Molecular consequence: nonsense.
Genome position (GRCh38, 1-based): chr7:150,947,344, G>A on the plus strand (C>T on the coding strand, the complement: KCNH2 is on the minus strand). VCF-style: chr7-150947344-G-A. GRCh37 (hg19) VCF-style: chr7-150644432-G-A.
Other names: c.2848C>T, p.Gln950Ter (NM_001406753.1); c.2116C>T, p.Gln706Ter (NM_172057.3); short protein forms Q706*, Q1046*, Q950*.
Identifiers: ClinVar variation 1728012 (VCV001728012.2), dbSNP rs2486003255, ClinGen allele CA369852526.